The following is an entry in ClinVar:

NM_001110556.2(FLNA):c.2023-8C>T

Gene: FLNA (filamin A; minus strand). Cytogenetic location: Xq28.
Variant type: single nucleotide variant.
Coding change: c.2023-8C>T on transcript NM_001110556.2 (MANE Select); 8 bases into the intron before coding-DNA position 2023, C replaced by T.
Molecular consequence: intron variant.
Genome position (GRCh38, 1-based): chrX:154,364,380, G>A on the plus strand (C>T on the coding strand, the complement: FLNA is on the minus strand). VCF-style: chrX-154364380-G-A. GRCh37 (hg19) VCF-style: chrX-153592748-G-A.
Other names: c.2023-8C>T (NM_001456.4).
Identifiers: ClinVar variation 129061 (VCV000129061.60), dbSNP rs587780335, ClinGen allele CA231100.

ClinVar aggregate classification (germline): Conflicting classifications of pathogenicity. Review status: criteria provided, conflicting classifications (1 of 4 stars). 5 submissions from 5 submitters: Uncertain significance (2); Benign (1); Likely benign (2). Last evaluated 2026-04-01.

Conditions:
Heterotopia, periventricular, X-linked dominant (PVNH1). Also called: PERIVENTRICULAR NODULAR HETEROTOPIA 1; X-linked periventricular heterotopia; PERIVENTRICULAR NODULAR HETEROTOPIA 4; HETEROTOPIA, PERIVENTRICULAR, 1. Identifiers: Orphanet 2149, Orphanet 82004, MedGen C1848213, MONDO:0010233, OMIM 300049.
Melnick-Needles syndrome (MNS). Also called: MELNICK-NEEDLES OSTEODYSPLASTY; OSTEODYSPLASTY OF MELNICK AND NEEDLES; Melnick-Needles Syndrome (FLNA-MNS). Identifiers: Orphanet 2484, MedGen C0025237, MONDO:0010650, OMIM 309350.
Frontometaphyseal dysplasia (FMD1). Identifiers: Orphanet 1826, MedGen C0265293, MONDO:0015942.
Oto-palato-digital syndrome, type II (OPD2). Also called: FACIOPALATOOSSEOUS SYNDROME; OPD II SYNDROME; Otopalatodigital Syndrome, Type II; Otopalatodigital Syndrome Type 2 (FLNA-OPD2). Identifiers: Orphanet 669, Orphanet 90652, MedGen C1844696, MONDO:0010571, OMIM 304120.

Allele frequency attached by ClinVar (database versions not stated): gnomAD exomes 0.00006 and 0.00029; TOPMed 0.00012; ExAC 0.00022.
gnomAD v4.1: 67 of 1,205,549 alleles (0.0056%); highest among the groups gnomAD compares: Admixed American, 0.13%; no homozygotes.

Submissions (5):

CeGaT Center for Human Genetics Tuebingen
Classification: Likely benign. Last evaluated: 2026-04-01. Review status: criteria provided, single submitter. Criteria: CeGaT Center For Human Genetics Tuebingen Variant Classification Criteria Version 2. Collection method: clinical testing. Allele origin: germline. Affected: yes. Observed: 1 variant allele.
Comment: FLNA: BP4, BS2

Labcorp Genetics (formerly Invitae), Labcorp
Classification: Benign for Oto-palato-digital syndrome, type II; Heterotopia, periventricular, X-linked dominant; Frontometaphyseal dysplasia; Melnick-Needles syndrome. Last evaluated: 2026-01-25. Review status: criteria provided, single submitter. Criteria: Invitae Variant Classification Sherloc (09022015). Collection method: clinical testing. Allele origin: germline.

GeneDx
Classification: Likely benign. Last evaluated: 2021-04-13. Review status: criteria provided, single submitter. Criteria: GeneDx Variant Classification Process June 2021. Collection method: clinical testing. Allele origin: germline. Affected: yes.

Eurofins Ntd Llc (ga)
Classification: Uncertain significance. Last evaluated: 2014-11-22. Review status: criteria provided, single submitter. Criteria: EGL Classification Definitions 2015. Collection method: clinical testing. Allele origin: germline. Observed: 1 variant allele, 1 hemizygote.

Genetic Services Laboratory, University of Chicago
Classification: Uncertain significance. Last evaluated: 2013-08-12. Review status: criteria provided, single submitter. Criteria: ACMG Guidelines, 2007. Collection method: clinical testing. Allele origin: germline. Inheritance: X-linked inheritance.